The following is an entry in ClinVar:

ClinVar aggregate classification (germline): Likely benign. Review status: criteria provided, single submitter (1 of 4 stars). 2 submissions from 2 submitters: Likely benign (1). 1 of the submissions does not count toward it. Last evaluated 2025-12-26.

Conditions:
ITGB3-related disorder. Also called: ITGB3-related condition.

Allele frequency attached by ClinVar (database versions not stated): gnomAD exomes 0.00003; ExAC 0.00005; gnomAD 0.00005; ESP Exome Variant Server 0.00015; TOPMed 0.00005; 1000 Genomes Project 0.00020; 1000 Genomes Project 30x 0.00016.
gnomAD v4.1: 45 of 1,614,092 alleles (0.0028%); highest among the groups gnomAD compares: African/African-American, 0.015%; no homozygotes.

Submissions (2):

Labcorp Genetics (formerly Invitae), Labcorp
Classification: Likely benign. Last evaluated: 2025-12-26. Review status: criteria provided, single submitter. Criteria: Invitae Variant Classification Sherloc (09022015). Collection method: clinical testing. Allele origin: germline.

PreventionGenetics, part of Exact Sciences
Classification: Likely benign for ITGB3-related condition. Last evaluated: 2019-04-23. Review status: no assertion criteria provided. Collection method: clinical testing. Allele origin: germline. Not counted in ClinVar's aggregate classification.
Comment: This variant is classified as likely benign based on ACMG/AMP sequence variant interpretation guidelines (Richards et al. 2015 PMID: 25741868, with internal and published modifications).

NM_000212.3(ITGB3):c.369G>A (p.Ser123=)

Gene: ITGB3 (integrin subunit beta 3; plus strand). Cytogenetic location: 17q21.32.
Variant type: single nucleotide variant.
Coding change: c.369G>A on transcript NM_000212.3 (MANE Select); coding-DNA position 369, G replaced by A.
Protein change: p.Ser123=; no amino-acid change (serine 123 retained).
Molecular consequence: synonymous variant.
Genome position (GRCh38, 1-based): chr17:47,284,450, G>A. VCF-style: chr17-47284450-G-A. GRCh37 (hg19) VCF-style: chr17-45361816-G-A.
Identifiers: ClinVar variation 2886566 (VCV002886566.5), dbSNP rs141225656, ClinGen allele CA8622948.